The following is an entry in ClinVar:

ClinVar aggregate classification (germline): Benign/Likely benign. Review status: criteria provided, multiple submitters, no conflicts (2 of 4 stars). 6 submissions from 6 submitters: Benign (1); Likely benign (2). 3 of the submissions do not count toward it. Last evaluated 2024-01-18.

Allele frequency attached by ClinVar (database versions not stated): 1000 Genomes Project 0.00559; 1000 Genomes Project 30x 0.00593; gnomAD 0.00734 and 0.00676; TOPMed 0.00756; gnomAD exomes 0.00067 and 0.00168; ExAC 0.00205; ESP Exome Variant Server 0.00557.
gnomAD v4.1: 2,040 of 1,613,354 alleles (0.13%); highest among the groups gnomAD compares: African/African-American, 2.4%; 18 homozygotes.

Submissions (6):

Labcorp Genetics (formerly Invitae), Labcorp
Classification: Benign. Last evaluated: 2024-01-18. Review status: criteria provided, single submitter. Criteria: Invitae Variant Classification Sherloc (09022015). Collection method: clinical testing. Allele origin: germline.

GeneDx
Classification: Likely benign. Last evaluated: 2020-12-20. Review status: criteria provided, single submitter. Criteria: GeneDx Variant Classification Process June 2021. Collection method: clinical testing. Allele origin: germline. Affected: yes.

Breakthrough Genomics
Classification: Likely benign. Review status: criteria provided, single submitter. Criteria: ACMG Guidelines, 2015. Collection method: not provided. Allele origin: germline. Inheritance: Autosomal dominant inheritance. Affected: yes.

ITMI
No classification provided. Condition: AllHighlyPenetrant. Last evaluated: 2013-09-19. Review status: no classification provided. Collection method: reference population. Allele origin: germline. Not counted in ClinVar's aggregate classification.
Comment: Please see associated publication for description of ethnicities

Clinical Genetics, Academic Medical Center
Classification: Benign. Review status: no assertion criteria provided. Collection method: clinical testing. Allele origin: germline. Affected: yes. Study: VKGL Data-share Consensus. Not counted in ClinVar's aggregate classification.

Laboratory of Diagnostic Genome Analysis, Leiden University Medical Center (LUMC)
Classification: Likely benign. Review status: no assertion criteria provided. Collection method: clinical testing. Allele origin: germline. Affected: yes. Study: VKGL Data-share Consensus. Not counted in ClinVar's aggregate classification.

Literature cited by the submitters: PubMed 24728327 (cited by ITMI).

NM_080425.4(GNAS):c.500A>G (p.Asp167Gly)

Gene: GNAS (GNAS complex locus; plus strand). Cytogenetic location: 20q13.32.
Variant type: single nucleotide variant.
Coding change: c.500A>G on transcript NM_080425.4 (MANE Plus Clinical); coding-DNA position 500, A replaced by G.
Protein change: p.Asp167Gly; replaces aspartic acid 167 with glycine.
Molecular consequence: missense variant. On other transcripts: intron variant (3).
Genome position (GRCh38, 1-based): chr20:58,853,765, A>G. VCF-style: chr20-58853765-A-G. GRCh37 (hg19) VCF-style: chr20-57428820-A-G.
Other names: c.313A>G, p.Thr105Ala (NM_001077490.3, NM_001309883.1); c.500A>G, p.Asp167Gly (NM_001410913.1); c.*42+12879A>G (NM_016592.5); c.43+12879A>G (NM_001410912.1); c.-39+11890A>G (NM_001309861.2); short protein forms T105A, D167G.
Identifiers: ClinVar variation 134478 (VCV000134478.12), dbSNP rs61749695, ClinGen allele CA159932.